The following is an entry in ClinVar:

NM_001374828.1(ARID1B):c.1918C>G (p.Arg640Gly)

Gene: ARID1B (AT-rich interaction domain 1B; plus strand). Cytogenetic location: 6q25.3.
Variant type: single nucleotide variant.
Coding change: c.1918C>G on transcript NM_001374828.1 (MANE Select); coding-DNA position 1918, C replaced by G.
Protein change: p.Arg640Gly; replaces arginine 640 with glycine.
Molecular consequence: missense variant.
Genome position (GRCh38, 1-based): chr6:156,829,353, C>G. VCF-style: chr6-156829353-C-G. GRCh37 (hg19) VCF-style: chr6-157150487-C-G.
Other names: c.1669C>G, p.Arg557Gly (NM_001346813.1, NM_020732.3); c.1918C>G, p.Arg640Gly (NM_001371656.1, NM_001374820.1, NM_017519.3); c.1495C>G, p.Arg499Gly (NM_175863.2); short protein forms R499G, R557G, R640G.
Identifiers: ClinVar variation 2635015 (VCV002635015.3), dbSNP rs749006707, ClinGen allele CA366384340.

ClinVar aggregate classification (germline): Uncertain significance. Review status: criteria provided, multiple submitters, no conflicts (2 of 4 stars). 2 submissions from 2 submitters: Uncertain significance (2). Last evaluated 2026-04-01.

Conditions:
ARID1B-Related Disorder. Identifiers: MedGen CN381337.

gnomAD v4.1: 20 of 1,614,092 alleles (0.0012%); highest among the groups gnomAD compares: Admixed American, 0.0017%; no homozygotes.

Submissions (2):

CeGaT Center for Human Genetics Tuebingen
Classification: Uncertain significance. Last evaluated: 2026-04-01. Review status: criteria provided, single submitter. Criteria: CeGaT Center For Human Genetics Tuebingen Variant Classification Criteria Version 2. Collection method: clinical testing. Allele origin: germline. Affected: yes. Observed: 1 variant allele.

PreventionGenetics, part of Exact Sciences
Classification: Uncertain significance for ARID1B-related condition. Last evaluated: 2023-03-21. Review status: criteria provided, single submitter. Criteria: ACMG Guidelines, 2015. Collection method: clinical testing. Allele origin: germline.
Comment: The ARID1B c.1669C>G variant is predicted to result in the amino acid substitution p.Arg557Gly. To our knowledge, this variant has not been reported in the literature or in a large population database, indicating this variant is rare. At this time, the clinical significance of this variant is uncertain due to the absence of conclusive functional and genetic evidence.